The following is an entry in ClinVar:

ClinVar aggregate classification (germline): Uncertain significance (1 of 4 stars; one submission).

Submission:

GeneDx
Classification: Uncertain significance. Last evaluated: 2023-05-23. Review status: criteria provided, single submitter. Criteria: GeneDx Variant Classification Process June 2021. Collection method: clinical testing. Allele origin: germline. Affected: yes.
Comment: Not observed at significant frequency in large population cohorts (gnomAD); Canonical splice site variant in a gene for which loss-of-function is not a known mechanism of disease.; Has not been previously published as pathogenic or benign to our knowledge

NM_001486.4(GCKR):c.285+1G>A

Gene: GCKR (glucokinase regulator; plus strand). Cytogenetic location: 2p23.3.
Variant type: single nucleotide variant.
Coding change: c.285+1G>A on transcript NM_001486.4 (MANE Select); the canonical splice donor site of the intron after coding-DNA position 285, G replaced by A.
Molecular consequence: splice donor variant.
Genome position (GRCh38, 1-based): chr2:27,497,631, G>A. VCF-style: chr2-27497631-G-A. GRCh37 (hg19) VCF-style: chr2-27720498-G-A.
Identifiers: ClinVar variation 3343662 (VCV003343662.1).